The following is an entry in ClinVar:

ClinVar aggregate classification (germline): Pathogenic (1 of 4 stars; one submission).

Conditions:
Fanconi anemia complementation group C (FANCC). Also called: FANCONI PANCYTOPENIA, TYPE 3; FACC; Fanconi anemia, group C; FANCC-Related Fanconi Anemia. Identifiers: Orphanet 84, MedGen C3468041, MONDO:0009213, OMIM 227645.

Submission:

Myriad Genetics, Inc.
Classification: Pathogenic for Fanconi anemia complementation group C. Last evaluated: 2026-02-18. Review status: criteria provided, single submitter. Criteria: Myriad Autosomal Dominant, Autosomal Recessive and X-Linked Classification Criteria (2023). Collection method: clinical testing. Allele origin: unknown.
Comment: NM_000136.2(FANCC):c.351_354dupATTA(S119Ifs*11) is expected to be pathogenic in the context of Fanconi anemia, FANCC-related. This variant is predicted to lead to an abnormal or absent protein product due to the creation of a premature termination codon in FANCC, a gene where loss-of-function variants are known to be pathogenic. Please note: this variant was assessed in the context of healthy population screening.

NM_000136.3(FANCC):c.351_354dup (p.Ser119fs)

Gene: FANCC (FA complementation group C; minus strand). Cytogenetic location: 9q22.32.
Variant type: Duplication.
Coding change: c.351_354dup on transcript NM_000136.3 (MANE Select); coding-DNA positions 351 to 354, 4 bases duplicated (ATTA; older notation c.351_354dupATTA).
Protein change: p.Ser119fs; shifts the reading frame from serine 119.
Molecular consequence: frameshift variant.
Genome position (GRCh38, 1-based): chr9:95,172,139-95,172,142, TAAT duplicated on the plus strand (ATTA on the coding strand, the reverse complement: FANCC is on the minus strand). VCF-style (leftmost placement, unchanged base first): chr9-95172138-A-ATAAT. GRCh37 (hg19) VCF-style: chr9-97934420-A-ATAAT.
Other names: c.351_354dup, p.Ser119fs (NM_001243743.2, NM_001243744.2); short protein forms S119fs.
Identifiers: ClinVar variation 5015570 (VCV005015570.1).